The following is an entry in ClinVar:

ClinVar aggregate classification (germline): Uncertain significance. Review status: criteria provided, multiple submitters, no conflicts (2 of 4 stars). 2 submissions from 2 submitters: Uncertain significance (2). Last evaluated 2026-04-02.

Conditions:
Hereditary hemorrhagic telangiectasia (HHT). Also called: Osler hemorrhagic telangiectasia syndrome; ORW DISEASE; Osler Weber Rendu syndrome; OSLER-RENDU-WEBER DISEASE. Identifiers: Orphanet 774, MedGen C0039445, MONDO:0019180. Disease mechanism: loss of function.
Cardiovascular phenotype. Identifiers: MedGen CN230736.

Allele frequency attached by ClinVar (database versions not stated): gnomAD exomes 0.00002.
gnomAD v4.1: 15 of 1,614,186 alleles (0.00093%); highest among the groups gnomAD compares: Non-Finnish European, 0.0013%; no homozygotes.

Submissions (2):

Ambry Genetics
Classification: Uncertain significance for Cardiovascular phenotype. Last evaluated: 2026-04-02. Review status: criteria provided, single submitter. Criteria: Ambry Variant Classification Scheme 2023. Collection method: clinical testing. Allele origin: germline.
Comment: The p.L355F variant (also known as c.1063C>T), located in coding exon 8 of the ENG gene, results from a C to T substitution at nucleotide position 1063. The leucine at codon 355 is replaced by phenylalanine, an amino acid with highly similar properties. This amino acid position is conserved. In addition, this alteration is predicted to be tolerated by in silico analysis. Based on the available evidence, the clinical significance of this variant remains unclear.

Labcorp Genetics (formerly Invitae), Labcorp
Classification: Uncertain significance for Hereditary hemorrhagic telangiectasia. Last evaluated: 2022-09-19. Review status: criteria provided, single submitter. Criteria: Invitae Variant Classification Sherloc (09022015). Collection method: clinical testing. Allele origin: germline.
Comment: This sequence change replaces leucine, which is neutral and non-polar, with phenylalanine, which is neutral and non-polar, at codon 355 of the ENG protein (p.Leu355Phe). In summary, the available evidence is currently insufficient to determine the role of this variant in disease. Therefore, it has been classified as a Variant of Uncertain Significance. Advanced modeling of protein sequence and biophysical properties (such as structural, functional, and spatial information, amino acid conservation, physicochemical variation, residue mobility, and thermodynamic stability) has been performed at Invitae for this missense variant, however the output from this modeling did not meet the statistical confidence thresholds required to predict the impact of this variant on ENG protein function. ClinVar contains an entry for this variant (Variation ID: 1024517). This variant has not been reported in the literature in individuals affected with ENG-related conditions. This variant is not present in population databases (gnomAD no frequency).

NM_001114753.3(ENG):c.1063C>T (p.Leu355Phe)

Gene: ENG (endoglin; minus strand). Cytogenetic location: 9q34.11.
Variant type: single nucleotide variant.
Coding change: c.1063C>T on transcript NM_001114753.3 (MANE Select); coding-DNA position 1063, C replaced by T.
Protein change: p.Leu355Phe; replaces leucine 355 with phenylalanine.
Molecular consequence: missense variant.
Genome position (GRCh38, 1-based): chr9:127,824,375, G>A on the plus strand (C>T on the coding strand, the complement: ENG is on the minus strand). VCF-style: chr9-127824375-G-A. GRCh37 (hg19) VCF-style: chr9-130586654-G-A.
Other names: c.1063C>T (NM_001114753.1); c.1063C>T, p.Leu355Phe (NM_000118.4, NM_001406715.1); c.517C>T, p.Leu173Phe (NM_001278138.2); short protein forms L173F, L355F.
Identifiers: ClinVar variation 1024517 (VCV001024517.11), dbSNP rs1830549584, ClinGen allele CA374981480.
Genomic context (GRCh38, chr9:127,824,375, plus strand): 5'-CTTTCTTTAGTACCAGGGTCATGGCGTCGTCGGCACACTTTGTCTGGATCAAGGACATGA[G>A]CAGCTCCGGGCTACAAGTGTCCTTGGGAGGAGTGGTCTGGATCGGTGCGGGTGAGGTCTG-3'
Protein context (NP_001108225.1, residues 345-365): PPKDTCSPEL[Leu355Phe]MSLIQTKCAD